The following is an entry in ClinVar:

NM_138694.4(PKHD1):c.6869G>A (p.Trp2290Ter)

Gene: PKHD1 (PKHD1 ciliary IPT domain containing fibrocystin/polyductin; minus strand). Cytogenetic location: 6p12.2.
Variant type: single nucleotide variant.
Coding change: c.6869G>A on transcript NM_138694.4 (MANE Select); coding-DNA position 6869, G replaced by A.
Protein change: p.Trp2290Ter; replaces tryptophan 2290 with a stop codon.
Molecular consequence: nonsense.
Genome position (GRCh38, 1-based): chr6:51,903,724, C>T on the plus strand (G>A on the coding strand, the complement: PKHD1 is on the minus strand). VCF-style: chr6-51903724-C-T. GRCh37 (hg19) VCF-style: chr6-51768522-C-T.
Other names: c.6869G>A, p.Trp2290Ter (NM_170724.3); short protein forms W2290*.
Identifiers: ClinVar variation 5010714 (VCV005010714.1).

ClinVar aggregate classification (germline): Pathogenic (1 of 4 stars; one submission).

Conditions:
Polycystic kidney disease 4 (PKD4). Also called: POLYCYSTIC KIDNEY AND HEPATIC DISEASE 1; POLYCYSTIC KIDNEY DISEASE, INFANTILE, TYPE I; POLYCYSTIC KIDNEY DISEASE 4 WITH OR WITHOUT POLYCYSTIC LIVER DISEASE; PKD3; Autosomal Recessive Polycystic Kidney Disease – PKHD1. Identifiers: MedGen C4540575, MONDO:0033004, OMIM 263200.

Submission:

Myriad Genetics, Inc.
Classification: Pathogenic for Polycystic kidney disease 4. Last evaluated: 2026-02-10. Review status: criteria provided, single submitter. Criteria: Myriad Autosomal Dominant, Autosomal Recessive and X-Linked Classification Criteria (2023). Collection method: clinical testing. Allele origin: unknown.
Comment: NM_138694.3(PKHD1):c.6869G>A(W2290*) is expected to be pathogenic in the context of autosomal recessive polycystic kidney disease, PKHD1-related. This variant is predicted to lead to an abnormal or absent protein product due to the creation of a premature termination codon in PKHD1, a gene where loss-of-function variants are known to be pathogenic. Please note: this variant was assessed in the context of healthy population screening.